The following is an entry in ClinVar:

ClinVar aggregate classification (germline): Likely benign (0 of 4 stars; one submission).

Conditions:
RPS24-related disorder. Also called: RPS24-related condition.

Allele frequency attached by ClinVar (database versions not stated): gnomAD 0.00004; gnomAD exomes 0.00004.
gnomAD v4.1: 56 of 1,551,572 alleles (0.0036%); highest among the groups gnomAD compares: Non-Finnish European, 0.0043%; no homozygotes.

Submission:

PreventionGenetics, part of Exact Sciences
Classification: Likely benign for RPS24-related condition. Last evaluated: 2019-07-15. Review status: no assertion criteria provided. Collection method: clinical testing. Allele origin: germline.
Comment: This variant is classified as likely benign based on ACMG/AMP sequence variant interpretation guidelines (Richards et al. 2015 PMID: 25741868, with internal and published modifications).

NM_001142285.2(RPS24):c.624G>A (p.Ala208=)

Gene: RPS24 (ribosomal protein S24; plus strand). Cytogenetic location: 10q22.3.
Variant type: single nucleotide variant.
Coding change: c.624G>A on transcript NM_001142285.2; coding-DNA position 624, G replaced by A.
Protein change: p.Ala208=; no amino-acid change (alanine 208 retained).
Molecular consequence: synonymous variant.
Genome position (GRCh38, 1-based): chr10:78,054,764, G>A. VCF-style: chr10-78054764-G-A. GRCh37 (hg19) VCF-style: chr10-79814522-G-A.
Identifiers: ClinVar variation 3049301 (VCV003049301.2), dbSNP rs995675873, ClinGen allele CA210200903.